The following is an entry in ClinVar:

NM_198994.3(TGM6):c.705A>T (p.Gln235His)

Gene: TGM6 (transglutaminase 6; plus strand). Cytogenetic location: 20p13.
Variant type: single nucleotide variant.
Coding change: c.705A>T on transcript NM_198994.3 (MANE Select); coding-DNA position 705, A replaced by T.
Protein change: p.Gln235His; replaces glutamine 235 with histidine.
Molecular consequence: missense variant.
Genome position (GRCh38, 1-based): chr20:2,399,593, A>T. VCF-style: chr20-2399593-A-T. GRCh37 (hg19) VCF-style: chr20-2380239-A-T.
Other names: c.705A>T, p.Gln235His (NM_001254734.2); short protein forms Q235H.
Identifiers: ClinVar variation 1312066 (VCV001312066.2), dbSNP rs2122361659, ClinGen allele CA408010882.

ClinVar aggregate classification (germline): Uncertain significance (1 of 4 stars; one submission).

Submission:

GeneDx
Classification: Uncertain significance. Last evaluated: 2019-09-16. Review status: criteria provided, single submitter. Criteria: GeneDx Variant Classification Process June 2021. Collection method: clinical testing. Allele origin: germline. Affected: yes.
Comment: Not observed in large population cohorts (Lek et al., 2016); In silico analysis, which includes protein predictors and evolutionary conservation, supports a deleterious effect; Has not been previously published as pathogenic or benign to our knowledge